The following is an entry in ClinVar:

ClinVar aggregate classification (germline): Uncertain significance (1 of 4 stars; one submission).

Conditions:
Hereditary cancer-predisposing syndrome. Also called: Neoplastic Syndromes, Hereditary; Tumor predisposition; Hereditary neoplastic syndrome; Hereditary Cancer Syndrome. Identifiers: Orphanet 140162, MedGen C0027672, MeSH D009386, MONDO:0015356.

Submission:

Ambry Genetics
Classification: Uncertain significance for Hereditary cancer-predisposing syndrome. Last evaluated: 2024-02-06. Review status: criteria provided, single submitter. Criteria: Ambry Variant Classification Scheme 2023. Collection method: clinical testing. Allele origin: germline.
Comment: The p.F816Y variant (also known as c.2447T>A), located in coding exon 5 of the PALB2 gene, results from a T to A substitution at nucleotide position 2447. The phenylalanine at codon 816 is replaced by tyrosine, an amino acid with highly similar properties. This amino acid position is conserved. In addition, this alteration is predicted to be tolerated by in silico analysis. Based on the available evidence, the clinical significance of this alteration remains unclear.

NM_024675.4(PALB2):c.2447T>A (p.Phe816Tyr)

Gene: PALB2 (partner and localizer of BRCA2; minus strand). Cytogenetic location: 16p12.2.
Variant type: single nucleotide variant.
Coding change: c.2447T>A on transcript NM_024675.4 (MANE Select); coding-DNA position 2447, T replaced by A.
Protein change: p.Phe816Tyr; replaces phenylalanine 816 with tyrosine.
Molecular consequence: missense variant. On other transcripts: intron variant (1).
Genome position (GRCh38, 1-based): chr16:23,629,707, A>T on the plus strand (T>A on the coding strand, the complement: PALB2 is on the minus strand). VCF-style: chr16-23629707-A-T. GRCh37 (hg19) VCF-style: chr16-23641028-A-T.
Other names: c.2387T>A, p.Phe796Tyr (NM_001407296.1); c.2447T>A, p.Phe816Tyr (NM_001407297.1, NM_001407298.1, NM_001407299.1 and 3 more transcripts); c.1562T>A, p.Phe521Tyr (NM_001407304.1, NM_001407305.1, NM_001407306.1 and 5 more transcripts); c.659T>A, p.Phe220Tyr (NM_001407312.1, NM_001407313.1); c.49-432T>A (NM_001407314.1); short protein forms F220Y, F521Y, F796Y, F816Y.
Identifiers: ClinVar variation 3228009 (VCV003228009.1), dbSNP rs1966856156, ClinGen allele CA395124188.
Genomic context (GRCh38, chr16:23,629,707, plus strand): 5'-ACGGAATGTTTATGCAGCTCCTGGCATGTGTTTCTACAGAGCTGATTTTCTTTAAAAGTG[A>T]ATGACTCAATGGGTGGAGGTGTTCCTGGCGGGACAGAGTCACAGTCACAGGTAGGTTGTC-3'
Protein context (NP_078951.2, residues 806-826): PPGTPPPIES[Phe816Tyr]TFKENQLCRN